The following is an entry in ClinVar:

ClinVar aggregate classification (germline): Uncertain significance (1 of 4 stars; one submission).

Conditions:
TMEM165-congenital disorder of glycosylation. Also called: Congenital disorder of glycosylation type 2k; TMEM165-CDG; CDG IIk. Identifiers: Orphanet 314667, MedGen C3553571, MONDO:0013870, OMIM 614727.

Submission:

Labcorp Genetics (formerly Invitae), Labcorp
Classification: Uncertain significance for TMEM165-congenital disorder of glycosylation. Last evaluated: 2021-12-25. Review status: criteria provided, single submitter. Criteria: Invitae Variant Classification Sherloc (09022015). Collection method: clinical testing. Allele origin: germline.
Comment: This sequence change falls in intron 5 of the TMEM165 gene. It does not directly change the encoded amino acid sequence of the TMEM165 protein. In summary, the available evidence is currently insufficient to determine the role of this variant in disease. Therefore, it has been classified as a Variant of Uncertain Significance. Algorithms developed to predict the effect of sequence changes on RNA splicing suggest that this variant may disrupt the consensus splice site. This variant has not been reported in the literature in individuals affected with TMEM165-related conditions. This variant is not present in population databases (gnomAD no frequency).

NM_018475.5(TMEM165):c.899-6T>G

Gene: TMEM165 (transmembrane protein 165; plus strand). Cytogenetic location: 4q12.
Variant type: single nucleotide variant.
Coding change: c.899-6T>G on transcript NM_018475.5 (MANE Select); 6 bases into the intron before coding-DNA position 899, T replaced by G.
Molecular consequence: intron variant.
Genome position (GRCh38, 1-based): chr4:55,425,370, T>G. VCF-style: chr4-55425370-T-G. GRCh37 (hg19) VCF-style: chr4-56291537-T-G.
Identifiers: ClinVar variation 1423290 (VCV001423290.6), dbSNP rs2109568314, ClinGen allele CA2573138300.
Genomic context (GRCh38, chr4:55,425,370, plus strand): 5'-TTCATTTTGTACAGTATCAAGGTATAGGAATTTTACTGTATTTGACTTTTTTTCTCTCTC[T>G]TCCAGTGACAATCATAGGAGGCATCGTTTTTTTGGCGTTTGCATTTTCTGCACTATTTAT-3'